The following is an entry in ClinVar:

NM_000069.3(CACNA1S):c.3938T>C (p.Val1313Ala)

Gene: CACNA1S (calcium voltage-gated channel subunit alpha1 S; minus strand). Cytogenetic location: 1q32.1.
Variant type: single nucleotide variant.
Coding change: c.3938T>C on transcript NM_000069.3 (MANE Select); coding-DNA position 3938, T replaced by C.
Protein change: p.Val1313Ala; replaces valine 1313 with alanine.
Molecular consequence: missense variant.
Genome position (GRCh38, 1-based): chr1:201,052,572, A>G on the plus strand (T>C on the coding strand, the complement: CACNA1S is on the minus strand). VCF-style: chr1-201052572-A-G. GRCh37 (hg19) VCF-style: chr1-201021700-A-G.
Other names: c.3938T>C (NM_000069.2); short protein forms V1313A.
Identifiers: ClinVar variation 3071930 (VCV003071930.2), dbSNP rs1660692019, ClinGen allele CA344152234.

ClinVar aggregate classification (germline): Uncertain significance. Review status: criteria provided, multiple submitters, no conflicts (2 of 4 stars). 2 submissions from 2 submitters: Uncertain significance (2). Last evaluated 2025-07-24.

Conditions:
Malignant hyperthermia, susceptibility to, 5 (MHS5). Also called: CACNA1S-Related Malignant Hyperthermia Susceptibility. Identifiers: Orphanet 423, MedGen C1866077, MONDO:0011163, OMIM 601887.

gnomAD v4.1: 1 of 1,613,812 alleles (0.000062%); no homozygotes.

Submissions (2):

GeneDx
Classification: Uncertain significance. Last evaluated: 2025-07-24. Review status: criteria provided, single submitter. Criteria: GeneDx Variant Classification Process June 2021. Collection method: clinical testing. Allele origin: germline. Affected: yes.
Comment: Not observed at significant frequency in large population cohorts (gnomAD); In silico analysis supports that this missense variant has a deleterious effect on protein structure/function; Has not been previously published as pathogenic or benign to our knowledge

All of Us Research Program, National Institutes of Health
Classification: Uncertain significance for Malignant hyperthermia, susceptibility to, 5. Last evaluated: 2023-06-26. Review status: criteria provided, single submitter. Criteria: ACMG Guidelines, 2015. Collection method: clinical testing. Allele origin: germline. Inheritance: Autosomal dominant inheritance. Observed: 1 variant allele, 1 heterozygote.
Comment: This missense variant replaces valine with alanine at codon 1313 of the CACNA1S protein. Computational prediction suggests that this variant may have deleterious impact on protein structure and function (internally defined REVEL score threshold >= 0.7, PMID: 27666373). To our knowledge, functional studies have not been reported for this variant. This variant has not been reported in individuals affected with CACNA1S-related disorders in the literature. This variant has not been identified in the general population by the Genome Aggregation Database (gnomAD). The available evidence is insufficient to determine the role of this variant in disease conclusively. Therefore, this variant is classified as a Variant of Uncertain Significance.

This study involves interpretation of variants in research participants for the purpose of population health screening. Participant phenotype was not available at the time of variant classification. Additional details can be found in publication PMID: 35346344, PMCID: PMC8962531